The following is an entry in ClinVar:

ClinVar aggregate classification (germline): Uncertain significance (1 of 4 stars; one submission).

Submission:

GeneDx
Classification: Uncertain significance. Last evaluated: 2024-12-04. Review status: criteria provided, single submitter. Criteria: GeneDx Variant Classification Process June 2021. Collection method: clinical testing. Allele origin: germline. Affected: yes.
Comment: Not observed at significant frequency in large population cohorts (gnomAD); In silico analysis supports that this missense variant has a deleterious effect on protein structure/function; Has not been previously published as pathogenic or benign to our knowledge; In silico analysis suggests this variant may impact gene splicing. In the absence of RNA/functional studies, the actual effect of this sequence change is unknown.

NM_197968.4(ZMYM2):c.2189G>T (p.Cys730Phe)

Gene: ZMYM2 (zinc finger MYM-type containing 2; plus strand). Cytogenetic location: 13q12.11.
Variant type: single nucleotide variant.
Coding change: c.2189G>T on transcript NM_197968.4 (MANE Select); coding-DNA position 2189, G replaced by T.
Protein change: p.Cys730Phe; replaces cysteine 730 with phenylalanine.
Molecular consequence: missense variant. On other transcripts: non-coding transcript variant (1).
Genome position (GRCh38, 1-based): chr13:20,036,806, G>T. VCF-style: chr13-20036806-G-T. GRCh37 (hg19) VCF-style: chr13-20610946-G-T.
Other names: c.2189G>T, p.Cys730Phe (NM_001190964.4, NM_001190965.4, NM_001353157.2 and 5 more transcripts); c.1994G>T, p.Cys665Phe (NM_001353161.3); c.1928G>T, p.Cys643Phe (NM_001353163.2); short protein forms C643F, C665F, C730F.
Identifiers: ClinVar variation 2506861 (VCV002506861.2), dbSNP rs2503245205, ClinGen allele CA387457834.
Genomic context (GRCh38, chr13:20,036,806, plus strand): 5'-TATTATACAAACAGGATTTTGCCAGACGTTTAGGATTGAGATGTGTTACTTGCAACTATT[G>T]TTCTCAGCTATGTAAGAAGGGAGCAACTAAAGAACTCGATGGTGTTGTGAGAGATTTCTG-3'
Protein context (NP_932072.1, residues 720-740): LGLRCVTCNY[Cys730Phe]SQLCKKGATK